The following is an entry in ClinVar:

NM_025114.4(CEP290):c.2099A>G (p.His700Arg)

Gene: CEP290 (centrosomal protein 290; minus strand). Cytogenetic location: 12q21.32.
Variant type: single nucleotide variant.
Coding change: c.2099A>G on transcript NM_025114.4 (MANE Select); coding-DNA position 2099, A replaced by G.
Protein change: p.His700Arg; replaces histidine 700 with arginine.
Molecular consequence: missense variant.
Genome position (GRCh38, 1-based): chr12:88,111,812, T>C on the plus strand (A>G on the coding strand, the complement: CEP290 is on the minus strand). VCF-style: chr12-88111812-T-C. GRCh37 (hg19) VCF-style: chr12-88505589-T-C.
Other names: short protein forms H700R.
Identifiers: ClinVar variation 2202685 (VCV002202685.1), dbSNP rs2500765891, ClinGen allele CA385975323.

ClinVar aggregate classification (germline): Uncertain significance (1 of 4 stars; one submission).

Conditions:
Joubert syndrome. Also called: CEREBELLOPARENCHYMAL DISORDER IV; JOUBERT-BOLTSHAUSER SYNDROME; Familial aplasia of the vermis. Identifiers: Orphanet 475, MedGen C5979921, MONDO:0018772.
Nephronophthisis. Also called: Juvenile Nephronophthisis. Identifiers: Orphanet 655, MedGen C0687120, MONDO:0019005, HP:0000090.
Meckel-Gruber syndrome. Also called: DYSENCEPHALIA SPLANCHNOCYSTICA; GRUBER SYNDROME; Dysencephalia splachnocystica. Identifiers: Orphanet 564, MedGen C0265215, MONDO:0018921.

Allele frequency attached by ClinVar (database versions not stated): gnomAD exomes below 0.00001.
gnomAD v4.1: 1 of 1,605,176 alleles (0.000062%); highest among the groups gnomAD compares: East Asian, 0.0023%; no homozygotes.

Submission:

Labcorp Genetics (formerly Invitae), Labcorp
Classification: Uncertain significance for Joubert syndrome; Meckel-Gruber syndrome; Nephronophthisis. Last evaluated: 2022-04-30. Review status: criteria provided, single submitter. Criteria: Invitae Variant Classification Sherloc (09022015). Collection method: clinical testing. Allele origin: germline.
Comment: This sequence change replaces histidine, which is basic and polar, with arginine, which is basic and polar, at codon 700 of the CEP290 protein (p.His700Arg). This variant is not present in population databases (gnomAD no frequency). This variant has not been reported in the literature in individuals affected with CEP290-related conditions. Algorithms developed to predict the effect of missense changes on protein structure and function are either unavailable or do not agree on the potential impact of this missense change (SIFT: "Deleterious"; PolyPhen-2: "Probably Damaging"; Align-GVGD: "Class C0"). In summary, the available evidence is currently insufficient to determine the role of this variant in disease. Therefore, it has been classified as a Variant of Uncertain Significance.